The following is an entry in ClinVar:

NM_024782.3(NHEJ1):c.506A>G (p.Glu169Gly)

Gene: NHEJ1 (non-homologous end joining factor 1; minus strand). Cytogenetic location: 2q35.
Variant type: single nucleotide variant.
Coding change: c.506A>G on transcript NM_024782.3 (MANE Select); coding-DNA position 506, A replaced by G.
Protein change: p.Glu169Gly; replaces glutamic acid 169 with glycine.
Molecular consequence: missense variant. On other transcripts: non-coding transcript variant (1).
Genome position (GRCh38, 1-based): chr2:219,147,680, T>C on the plus strand (A>G on the coding strand, the complement: NHEJ1 is on the minus strand). VCF-style: chr2-219147680-T-C. GRCh37 (hg19) VCF-style: chr2-220012402-T-C.
Other names: c.506A>G, p.Glu169Gly (NM_001377498.1, NM_001377499.1); short protein forms E169G.
Identifiers: ClinVar variation 640419 (VCV000640419.8), dbSNP rs1244437243, ClinGen allele CA350628214.

ClinVar aggregate classification (germline): Uncertain significance (1 of 4 stars; one submission).

Conditions:
Cernunnos-XLF deficiency (IMD124). Also called: Severe combined immunodeficiency with sensitivity to ionizing radiation due to NHEJ1 deficiency; SCID, autosomal recessive, T cell-negative, B cell-negative, NK cell-positive, and sensitivity to ionizing radiation due to NHEJ1 deficiency; IMMUNODEFICIENCY 124, SEVERE COMBINED; SCID, AUTOSOMAL RECESSIVE, T CELL-NEGATIVE, B CELL-NEGATIVE, NK CELL-POSITIVE, WITH MICROCEPHALY, GROWTH RETARDATION, AND SENSITIVITY TO IONIZING RADIATION; NHEJ1 SYNDROME. Identifiers: Orphanet 169079, MedGen C1969799, MONDO:0012650, OMIM 611291.

Submission:

Labcorp Genetics (formerly Invitae), Labcorp
Classification: Uncertain significance for Cernunnos-XLF deficiency. Last evaluated: 2020-03-06. Review status: criteria provided, single submitter. Criteria: Invitae Variant Classification Sherloc (09022015). Collection method: clinical testing. Allele origin: germline.
Comment: This sequence change replaces glutamic acid with glycine at codon 169 of the NHEJ1 protein (p.Glu169Gly). The glutamic acid residue is highly conserved and there is a moderate physicochemical difference between glutamic acid and glycine. This variant is not present in population databases (ExAC no frequency). This variant has not been reported in the literature in individuals with NHEJ1-related conditions. Algorithms developed to predict the effect of missense changes on protein structure and function are either unavailable or do not agree on the potential impact of this missense change (SIFT: "Deleterious"; PolyPhen-2: "Probably Damaging"; Align-GVGD: "Class C15"). In summary, the available evidence is currently insufficient to determine the role of this variant in disease. Therefore, it has been classified as a Variant of Uncertain Significance.